The following is an entry in ClinVar:

NM_183357.3(ADCY5):c.2033G>A (p.Arg678His)

Gene: ADCY5 (adenylate cyclase 5; minus strand). Cytogenetic location: 3q21.1.
Variant type: single nucleotide variant.
Coding change: c.2033G>A on transcript NM_183357.3 (MANE Select); coding-DNA position 2033, G replaced by A.
Protein change: p.Arg678His; replaces arginine 678 with histidine.
Molecular consequence: missense variant.
Genome position (GRCh38, 1-based): chr3:123,325,377, C>T on the plus strand (G>A on the coding strand, the complement: ADCY5 is on the minus strand). VCF-style: chr3-123325377-C-T. GRCh37 (hg19) VCF-style: chr3-123044224-C-T.
Other names: c.983G>A, p.Arg328His (NM_001199642.1); c.2033G>A, p.Arg678His (NM_001378259.1); short protein forms R678H, R328H.
Identifiers: ClinVar variation 872598 (VCV000872598.47), dbSNP rs368851720, ClinGen allele CA2577282.

ClinVar aggregate classification (germline): Uncertain significance. Review status: criteria provided, multiple submitters, no conflicts (2 of 4 stars). 3 submissions from 3 submitters: Uncertain significance (3). Last evaluated 2023-06-06.

Conditions:
Neurodevelopmental disorder with hyperkinetic movements and dyskinesia. Identifiers: MedGen C5562038, MONDO:0859211, OMIM 619651.

Allele frequency attached by ClinVar (database versions not stated): TOPMed 0.00001; ExAC 0.00003; gnomAD 0.00003; gnomAD exomes 0.00004; ESP Exome Variant Server 0.00008; 1000 Genomes Project 30x 0.00016; 1000 Genomes Project 0.00020.
gnomAD v4.1: 41 of 1,614,166 alleles (0.0025%); highest among the groups gnomAD compares: South Asian, 0.0088%; no homozygotes.

Submissions (3):

Labcorp Genetics (formerly Invitae), Labcorp
Classification: Uncertain significance. Last evaluated: 2023-06-06. Review status: criteria provided, single submitter. Criteria: Invitae Variant Classification Sherloc (09022015). Collection method: clinical testing. Allele origin: germline.
Comment: This sequence change replaces arginine, which is basic and polar, with histidine, which is basic and polar, at codon 678 of the ADCY5 protein (p.Arg678His). Advanced modeling of protein sequence and biophysical properties (such as structural, functional, and spatial information, amino acid conservation, physicochemical variation, residue mobility, and thermodynamic stability) has been performed at Invitae for this missense variant, however the output from this modeling did not meet the statistical confidence thresholds required to predict the impact of this variant on ADCY5 protein function. This variant is present in population databases (rs368851720, gnomAD 0.02%). This variant has not been reported in the literature in individuals affected with ADCY5-related conditions. ClinVar contains an entry for this variant (Variation ID: 872598). In summary, the available evidence is currently insufficient to determine the role of this variant in disease. Therefore, it has been classified as a Variant of Uncertain Significance.

CeGaT Center for Human Genetics Tuebingen
Classification: Uncertain significance. Last evaluated: 2020-03-01. Review status: criteria provided, single submitter. Criteria: CeGaT Center For Human Genetics Tuebingen Variant Classification Criteria Version 2. Collection method: clinical testing. Allele origin: germline. Affected: yes. Observed: 2 variant alleles.

Neuberg Centre For Genomic Medicine, NCGM
Classification: Uncertain significance for Neurodevelopmental disorder with hyperkinetic movements and dyskinesia. Review status: criteria provided, single submitter. Criteria: ACMG Guidelines, 2015. Collection method: clinical testing. Allele origin: germline. Inheritance: Autosomal recessive inheritance. Affected: yes.
Comment: The missense variant c.2033G>A(p.Arg678His) in ADCY5 gene has not been reported previously as a pathogenic variant nor as a benign variant, to our knowledge. The observed variant has allele frequency of 0.004% in gnomAD exomes database. This variant has been submitted to the ClinVar database as Uncertain Significance. The amino acid change p.Arg678His in ADCY5 is predicted as conserved by GERP++ and PhyloP across 100 vertebrates. Multiple lines of computational evidences (SIFT, PolyPhen, Mutation Taster) predicts as damaging effect on protein structure and function for this variant. The amino acid Arg at position 678 is changed to a His changing protein sequence and it might alter its composition and physico-chemical properties. For these reasons, this variant has been classified as Uncertain Significance (VUS).